The following is an entry in ClinVar:

ClinVar aggregate classification (germline): Uncertain significance (1 of 4 stars; one submission).

Conditions:
Hereditary cancer-predisposing syndrome. Also called: Tumor predisposition; Hereditary Cancer Syndrome; Hereditary neoplastic syndrome; Neoplastic Syndromes, Hereditary. Identifiers: Orphanet 140162, MedGen C0027672, MeSH D009386, MONDO:0015356.

Submission:

Ambry Genetics
Classification: Uncertain significance for Hereditary cancer-predisposing syndrome. Last evaluated: 2024-04-28. Review status: criteria provided, single submitter. Criteria: Ambry Variant Classification Scheme 2023. Collection method: clinical testing. Allele origin: germline.
Comment: The p.L1083V variant (also known as c.3247C>G), located in coding exon 22 of the PDGFRA gene, results from a C to G substitution at nucleotide position 3247. The leucine at codon 1083 is replaced by valine, an amino acid with highly similar properties. This amino acid position is conserved. In addition, the in silico prediction for this alteration is inconclusive. Based on the available evidence, the clinical significance of this variant remains unclear.

NM_006206.6(PDGFRA):c.3247C>G (p.Leu1083Val)

Gene: PDGFRA (platelet derived growth factor receptor alpha; plus strand). Cytogenetic location: 4q12.
Variant type: single nucleotide variant.
Coding change: c.3247C>G on transcript NM_006206.6 (MANE Select); coding-DNA position 3247, C replaced by G.
Protein change: p.Leu1083Val; replaces leucine 1083 with valine.
Molecular consequence: missense variant.
Genome position (GRCh38, 1-based): chr4:54,295,249, C>G. VCF-style: chr4-54295249-C-G. GRCh37 (hg19) VCF-style: chr4-55161416-C-G.
Other names: c.3322C>G, p.Leu1108Val (NM_001347828.2); c.3247C>G, p.Leu1083Val (NM_001347829.2); c.3286C>G, p.Leu1096Val (NM_001347830.2); short protein forms L1083V, L1108V, L1096V.
Identifiers: ClinVar variation 3305478 (VCV003305478.1).